The following is an entry in ClinVar:

ClinVar aggregate classification (germline): Uncertain significance (1 of 4 stars; one submission).

gnomAD v4.1: 28 of 1,606,836 alleles (0.0017%); highest among the groups gnomAD compares: Non-Finnish European, 0.0016%; no homozygotes.

Submission:

Labcorp Genetics (formerly Invitae), Labcorp
Classification: Uncertain significance. Last evaluated: 2024-06-04. Review status: criteria provided, single submitter. Criteria: Invitae Variant Classification Sherloc (09022015). Collection method: clinical testing. Allele origin: germline.
Comment: This sequence change replaces arginine, which is basic and polar, with glycine, which is neutral and non-polar, at codon 184 of the SIX6 protein (p.Arg184Gly). This variant is present in population databases (rs769430744, gnomAD 0.01%). This variant has not been reported in the literature in individuals affected with SIX6-related conditions. Advanced modeling of protein sequence and biophysical properties (such as structural, functional, and spatial information, amino acid conservation, physicochemical variation, residue mobility, and thermodynamic stability) performed at Invitae indicates that this missense variant is expected to disrupt SIX6 protein function with a positive predictive value of 80%. In summary, the available evidence is currently insufficient to determine the role of this variant in disease. Therefore, it has been classified as a Variant of Uncertain Significance.

NM_007374.3(SIX6):c.550C>G (p.Arg184Gly)

Genes: C14orf39 (chromosome 14 open reading frame 39; minus strand), SIX6 (SIX homeobox 6; plus strand). Cytogenetic location: 14q23.1.
Variant type: single nucleotide variant.
Coding change: c.550C>G on transcript NM_007374.3 (MANE Select); coding-DNA position 550, C replaced by G.
Protein change: p.Arg184Gly; replaces arginine 184 with glycine.
Molecular consequence: missense variant.
Genome position (GRCh38, 1-based): chr14:60,509,948, C>G. VCF-style: chr14-60509948-C-G. GRCh37 (hg19) VCF-style: chr14-60976666-C-G.
Other names: short protein forms R184G.
Identifiers: ClinVar variation 3687731 (VCV003687731.2).